The following is an entry in ClinVar:

ClinVar aggregate classification (germline): Likely pathogenic (1 of 4 stars; one submission).

Conditions:
Mucopolysaccharidosis, MPS-III-B (MPS3B). Also called: N-ACETYL-ALPHA-D-GLUCOSAMINIDASE DEFICIENCY; NAGLU DEFICIENCY; SANFILIPPO SYNDROME B; MPS III B; MPS IIIB (Sanfilippo Syndrome Type B); MUCOPOLYSACCHARIDOSIS, TYPE IIIB. Identifiers: Orphanet 79270, MedGen C0086648, MONDO:0009656, OMIM 252920.

Submission:

Natera, Inc.
Classification: Likely pathogenic for Mucopolysaccharidosis type IIIB. Last evaluated: 2025-05-12. Review status: criteria provided, single submitter. Criteria: Natera Variant Classification Schema (03/2026). Collection method: clinical testing. Allele origin: germline.
Comment: The c.82G>A variant in NAGLU is a missense variant predicted to cause substitution of glutamic acid to lysine at amino acid 28. This variant is rare in the general population with a frequency below the threshold expected for the associated phenotype(s). This variant has been observed in one or more individuals affected with the associated recessive disease, as either homozygous or compound heterozygous with a second variant (PMID: 38488524). This variant has been identified in one or more affected individuals with a phenotype highly consistent with the associated gene (PMID: 38488524). Computational prediction algorithms indicate this variant is likely to affect gene or protein function. Given the available evidence, this variant is classified as Likely Pathogenic.

Literature cited by the submitters: PubMed 38488524.

NM_000263.4(NAGLU):c.82G>A (p.Glu28Lys)

Genes: NAGLU (N-acetyl-alpha-glucosaminidase; plus strand), LOC130060903 (ATAC-STARR-seq lymphoblastoid silent region 8533; plus strand). Cytogenetic location: 17q21.2.
Variant type: single nucleotide variant.
Coding change: c.82G>A on transcript NM_000263.4 (MANE Select); coding-DNA position 82, G replaced by A.
Protein change: p.Glu28Lys; replaces glutamic acid 28 with lysine.
Molecular consequence: missense variant.
Genome position (GRCh38, 1-based): chr17:42,536,354, G>A. VCF-style: chr17-42536354-G-A. GRCh37 (hg19) VCF-style: chr17-40688372-G-A.
Other names: short protein forms E28K.
Identifiers: ClinVar variation 4058254 (VCV004058254.2).